The following is an entry in ClinVar:

NM_001080467.3(MYO5B):c.4254G>C (p.Lys1418Asn)

Genes: SNHG22 (small nucleolar RNA host gene 22; plus strand), MYO5B (myosin VB; minus strand), LOC126862745 (MED14-independent group 3 enhancer GRCh37_chr18:47375491-47376690; plus strand). Cytogenetic location: 18q21.1.
Variant type: single nucleotide variant.
Coding change: c.4254G>C on transcript NM_001080467.3 (MANE Select); coding-DNA position 4254, G replaced by C.
Protein change: p.Lys1418Asn; replaces lysine 1418 with asparagine.
Molecular consequence: missense variant.
Genome position (GRCh38, 1-based): chr18:49,849,628, C>G on the plus strand (G>C on the coding strand, the complement: MYO5B is on the minus strand). VCF-style: chr18-49849628-C-G. GRCh37 (hg19) VCF-style: chr18-47375998-C-G.
Other names: short protein forms K1418N.
Identifiers: ClinVar variation 1411751 (VCV001411751.5), dbSNP rs763072671, ClinGen allele CA8960420.

ClinVar aggregate classification (germline): Uncertain significance (1 of 4 stars; one submission).

Allele frequency attached by ClinVar (database versions not stated): ExAC 0.00001; gnomAD exomes 0.00001.
gnomAD v4.1: 10 of 1,613,866 alleles (0.00062%); highest among the groups gnomAD compares: Middle Eastern, 0.017%; no homozygotes.

Submission:

Labcorp Genetics (formerly Invitae), Labcorp
Classification: Uncertain significance. Last evaluated: 2025-05-06. Review status: criteria provided, single submitter. Criteria: Invitae Variant Classification Sherloc (09022015). Collection method: clinical testing. Allele origin: germline.
Comment: This sequence change replaces lysine, which is basic and polar, with asparagine, which is neutral and polar, at codon 1418 of the MYO5B protein (p.Lys1418Asn). This variant is present in population databases (rs763072671, gnomAD 0.003%). This variant has not been reported in the literature in individuals affected with MYO5B-related conditions. ClinVar contains an entry for this variant (Variation ID: 1411751). Invitae Evidence Modeling of protein sequence and biophysical properties (such as structural, functional, and spatial information, amino acid conservation, physicochemical variation, residue mobility, and thermodynamic stability) indicates that this missense variant is expected to disrupt MYO5B protein function with a positive predictive value of 80%. In summary, the available evidence is currently insufficient to determine the role of this variant in disease. Therefore, it has been classified as a Variant of Uncertain Significance.